The following is an entry in ClinVar:

NM_004006.3(DMD):c.6886A>G (p.Lys2296Glu)

Gene: DMD (dystrophin; minus strand). Cytogenetic location: Xp21.1.
Variant type: single nucleotide variant.
Coding change: c.6886A>G on transcript NM_004006.3 (MANE Select); coding-DNA position 6886, A replaced by G.
Protein change: p.Lys2296Glu; replaces lysine 2296 with glutamic acid.
Molecular consequence: missense variant. On other transcripts: 5 prime UTR variant (5).
Genome position (GRCh38, 1-based): chrX:31,929,622, T>C on the plus strand (A>G on the coding strand, the complement: DMD is on the minus strand). VCF-style: chrX-31929622-T-C. GRCh37 (hg19) VCF-style: chrX-31947739-T-C.
Other names: c.6862A>G, p.Lys2288Glu (NM_000109.4); c.6874A>G, p.Lys2292Glu (NM_004009.3); c.6517A>G, p.Lys2173Glu (NM_004010.3); c.2863A>G, p.Lys955Glu (NM_004011.4); c.2854A>G, p.Lys952Glu (NM_004012.4); c.-495A>G (NM_004013.3, NM_004020.4, NM_004021.3 and 2 more transcripts); short protein forms K2173E, K2288E, K2292E, K2296E, K952E, K955E.
Identifiers: ClinVar variation 1021763 (VCV001021763.7), dbSNP rs1828030875, ClinGen allele CA412657810.

ClinVar aggregate classification (germline): Uncertain significance. Review status: criteria provided, single submitter (1 of 4 stars). 2 submissions from 2 submitters: Uncertain significance (1). 1 of the submissions does not count toward it. Last evaluated 2025-05-06.

Conditions:
Duchenne muscular dystrophy (DMD). Also called: MUSCULAR DYSTROPHY, PSEUDOHYPERTROPHIC PROGRESSIVE, DUCHENNE TYPE; Duchenne Muscular Dystrophy (DMD). Identifiers: Orphanet 98896, MedGen C0013264, MONDO:0010679, OMIM 310200.
Dystrophin deficiency.
Becker muscular dystrophy (BMD). Also called: MUSCULAR DYSTROPHY, PSEUDOHYPERTROPHIC PROGRESSIVE, BECKER TYPE; Becker Muscular Dystrophy (BMD). Identifiers: Orphanet 98895, MedGen C0917713, MONDO:0010311, OMIM 300376.
Cardiomyopathy (CMYO). Also called: Cardiomyopathies. Identifiers: Orphanet 167848, MedGen C0878544, MONDO:0004994, HP:0001638. Inheritance: Various modes of inheritance.

Allele frequency attached by ClinVar (database versions not stated): gnomAD exomes below 0.00001; TOPMed 0.00001.
gnomAD v4.1: 2 of 1,211,300 alleles (0.00017%); highest among the groups gnomAD compares: Non-Finnish European, 0.00022%; no homozygotes.

Submissions (2):

Labcorp Genetics (formerly Invitae), Labcorp
Classification: Uncertain significance for Duchenne muscular dystrophy. Last evaluated: 2025-05-06. Review status: criteria provided, single submitter. Criteria: Invitae Variant Classification Sherloc (09022015). Collection method: clinical testing. Allele origin: germline.
Comment: This sequence change replaces lysine, which is basic and polar, with glutamic acid, which is acidic and polar, at codon 2296 of the DMD protein (p.Lys2296Glu). This variant is not present in population databases (gnomAD no frequency). This missense change has been observed in individual(s) with clinical features of DMD-related conditions (PMID: 16770791). ClinVar contains an entry for this variant (Variation ID: 1021763). Invitae Evidence Modeling of protein sequence and biophysical properties (such as structural, functional, and spatial information, amino acid conservation, physicochemical variation, residue mobility, and thermodynamic stability) indicates that this missense variant is not expected to disrupt DMD protein function with a negative predictive value of 95%. In summary, the available evidence is currently insufficient to determine the role of this variant in disease. Therefore, it has been classified as a Variant of Uncertain Significance.

Natera, Inc.
Classification: Uncertain significance for Becker muscular dystrophy; Cardiomyopathy; Duchenne muscular dystrophy; Dystrophin deficiency. Last evaluated: 2020-10-20. Review status: no assertion criteria provided. Collection method: clinical testing. Allele origin: germline. Not counted in ClinVar's aggregate classification.

Literature cited by the submitters: PubMed 16770791 (cited by Labcorp Genetics (formerly Invitae), Labcorp).